The following is an entry in ClinVar:

ClinVar aggregate classification (germline): Uncertain significance (1 of 4 stars; one submission).

Allele frequency attached by ClinVar (database versions not stated): gnomAD exomes below 0.00001; ExAC 0.00001.

Submission:

Labcorp Genetics (formerly Invitae), Labcorp
Classification: Uncertain significance. Last evaluated: 2022-07-15. Review status: criteria provided, single submitter. Criteria: Invitae Variant Classification Sherloc (09022015). Collection method: clinical testing. Allele origin: germline.
Comment: This variant has not been reported in the literature in individuals affected with MYO7A-related conditions. This variant is present in population databases (rs782018580, gnomAD 0.002%). This sequence change replaces isoleucine, which is neutral and non-polar, with valine, which is neutral and non-polar, at codon 433 of the MYO7A protein (p.Ile433Val). Advanced modeling of protein sequence and biophysical properties (such as structural, functional, and spatial information, amino acid conservation, physicochemical variation, residue mobility, and thermodynamic stability) performed at Invitae indicates that this missense variant is not expected to disrupt MYO7A protein function. Algorithms developed to predict the effect of sequence changes on RNA splicing suggest that this variant may create or strengthen a splice site. In summary, the available evidence is currently insufficient to determine the role of this variant in disease. Therefore, it has been classified as a Variant of Uncertain Significance.

NM_000260.4(MYO7A):c.1297A>G (p.Ile433Val)

Gene: MYO7A (myosin VIIA; plus strand). Cytogenetic location: 11q13.5.
Variant type: single nucleotide variant.
Coding change: c.1297A>G on transcript NM_000260.4 (MANE Select); coding-DNA position 1297, A replaced by G.
Protein change: p.Ile433Val; replaces isoleucine 433 with valine.
Molecular consequence: missense variant.
Genome position (GRCh38, 1-based): chr11:77,161,069, A>G. VCF-style: chr11-77161069-A-G. GRCh37 (hg19) VCF-style: chr11-76872115-A-G.
Other names: c.1297A>G, p.Ile433Val (NM_001127180.2); c.1264A>G, p.Ile422Val (NM_001369365.1); short protein forms I422V, I433V.
Identifiers: ClinVar variation 2414556 (VCV002414556.6), dbSNP rs782018580, ClinGen allele CA6197447.